The following is an entry in ClinVar:

ClinVar aggregate classification (germline): Uncertain significance (1 of 4 stars; one submission).

Submission:

Ambry Genetics
Classification: Uncertain significance. Last evaluated: 2025-11-23. Review status: criteria provided, single submitter. Criteria: Ambry Variant Classification Scheme 2023. Collection method: clinical testing. Allele origin: germline.
Comment: The p.V307I variant (also known as c.919G>A), located in coding exon 1 of the MLH3 gene, results from a G to A substitution at nucleotide position 919. The valine at codon 307 is replaced by isoleucine, an amino acid with highly similar properties. This amino acid position is conserved. In addition, this alteration is predicted to be tolerated by in silico analysis. Since supporting evidence is limited at this time, the clinical significance of this alteration remains unclear.

NM_001040108.2(MLH3):c.919G>A (p.Val307Ile)

Gene: MLH3 (mutL homolog 3; minus strand). Cytogenetic location: 14q24.3.
Variant type: single nucleotide variant.
Coding change: c.919G>A on transcript NM_001040108.2 (MANE Select); coding-DNA position 919, G replaced by A.
Protein change: p.Val307Ile; replaces valine 307 with isoleucine.
Molecular consequence: missense variant.
Genome position (GRCh38, 1-based): chr14:75,048,737, C>T on the plus strand (G>A on the coding strand, the complement: MLH3 is on the minus strand). VCF-style: chr14-75048737-C-T. GRCh37 (hg19) VCF-style: chr14-75515440-C-T.
Other names: c.919G>A, p.Val307Ile (NM_014381.3); short protein forms V307I.
Identifiers: ClinVar variation 1766145 (VCV001766145.3), dbSNP rs2139594530, ClinGen allele CA390448753.